The following is an entry in ClinVar:

ClinVar aggregate classification (germline): Uncertain significance. Review status: criteria provided, multiple submitters, no conflicts (2 of 4 stars). 2 submissions from 2 submitters: Uncertain significance (2). Last evaluated 2025-08-17.

Conditions:
Hereditary cancer-predisposing syndrome. Also called: Tumor predisposition; Hereditary Cancer Syndrome; Neoplastic Syndromes, Hereditary; Hereditary neoplastic syndrome. Identifiers: Orphanet 140162, MedGen C0027672, MeSH D009386, MONDO:0015356.
Familial adenomatous polyposis 1 (FAP1). Also called: FAMILIAL ADENOMATOUS POLYPOSIS 1, ATTENUATED; POLYPOSIS, ADENOMATOUS INTESTINAL. Identifiers: MedGen C2713442, MONDO:0021056, OMIM 175100. Disease mechanism: loss of function.

Submissions (2):

Color Diagnostics, LLC DBA Color Health
Classification: Uncertain significance for Hereditary cancer-predisposing syndrome. Last evaluated: 2025-08-17. Review status: criteria provided, single submitter. Criteria: ACMG Guidelines, 2015. Collection method: clinical testing. Allele origin: germline.
Comment: This missense variant replaces serine with glycine at codon 780 of the APC protein. Computational prediction suggests that this variant may not impact protein structure and function. To our knowledge, functional studies have not been reported for this variant. This variant has not been reported in individuals affected with APC-related disorders in the literature. This variant has not been identified in the general population by the Genome Aggregation Database (gnomAD). The available evidence is insufficient to determine the role of this variant in disease conclusively. Therefore, this variant is classified as a Variant of Uncertain Significance.

Labcorp Genetics (formerly Invitae), Labcorp
Classification: Uncertain significance for Familial adenomatous polyposis 1. Last evaluated: 2025-06-09. Review status: criteria provided, single submitter. Criteria: Invitae Variant Classification Sherloc (09022015). Collection method: clinical testing. Allele origin: germline.
Comment: This sequence change replaces serine, which is neutral and polar, with glycine, which is neutral and non-polar, at codon 780 of the APC protein (p.Ser780Gly). This variant is not present in population databases (gnomAD no frequency). This variant has not been reported in the literature in individuals affected with APC-related conditions. Invitae Evidence Modeling of protein sequence and biophysical properties (such as structural, functional, and spatial information, amino acid conservation, physicochemical variation, residue mobility, and thermodynamic stability) indicates that this missense variant is not expected to disrupt APC protein function with a negative predictive value of 95%. In summary, the available evidence is currently insufficient to determine the role of this variant in disease. Therefore, it has been classified as a Variant of Uncertain Significance.

NM_000038.6(APC):c.2338A>G (p.Ser780Gly)

Gene: APC (APC regulator of Wnt signaling pathway; plus strand). Cytogenetic location: 5q22.2.
Variant type: single nucleotide variant.
Coding change: c.2338A>G on transcript NM_000038.6 (MANE Select); coding-DNA position 2338, A replaced by G.
Protein change: p.Ser780Gly; replaces serine 780 with glycine.
Molecular consequence: missense variant. On other transcripts: non-coding transcript variant (2).
Genome position (GRCh38, 1-based): chr5:112,837,932, A>G. VCF-style: chr5-112837932-A-G. GRCh37 (hg19) VCF-style: chr5-112173629-A-G.
Other names: c.2338A>G, p.Ser780Gly (NM_001127510.3, NM_001354895.2, NM_001407450.1); c.2284A>G, p.Ser762Gly (NM_001127511.3); c.2392A>G, p.Ser798Gly (NM_001354896.2, NM_001407447.1, NM_001407448.1 and 1 more transcripts); c.2368A>G, p.Ser790Gly (NM_001354897.2); c.2263A>G, p.Ser755Gly (NM_001354898.2); c.2254A>G, p.Ser752Gly (NM_001354899.2); c.2215A>G, p.Ser739Gly (NM_001354900.2); c.2161A>G, p.Ser721Gly (NM_001354901.2, NM_001407453.1); and 11 more; short protein forms S396G, S497G, S620G, S651G, S654G, S679G, S689G, S697G.
Identifiers: ClinVar variation 4756139 (VCV004756139.2).